The following is an entry in ClinVar:

NM_000179.3(MSH6):c.260+17G>A

Genes: MSH6 (mutS homolog 6; plus strand), LOC129933707 (ATAC-STARR-seq lymphoblastoid silent region 11468; plus strand). Cytogenetic location: 2p16.3.
Variant type: single nucleotide variant.
Coding change: c.260+17G>A on transcript NM_000179.3 (MANE Select); 17 bases into the intron after coding-DNA position 260, G replaced by A.
Molecular consequence: intron variant.
Genome position (GRCh38, 1-based): chr2:47,783,510, G>A. VCF-style: chr2-47783510-G-A. GRCh37 (hg19) VCF-style: chr2-48010649-G-A.
Other names: c.-477+17G>A (NM_001281493.2); c.237+40G>A (NM_001281492.2).
Identifiers: ClinVar variation 381471 (VCV000381471.9), dbSNP rs760760489, ClinGen allele CA16604289.

ClinVar aggregate classification (germline): Likely benign. Review status: criteria provided, multiple submitters, no conflicts (2 of 4 stars). 2 submissions from 2 submitters: Likely benign (2). Last evaluated 2021-07-15.

Conditions:
Hereditary nonpolyposis colorectal neoplasms. Identifiers: MedGen C0009405, MeSH D003123.

Allele frequency attached by ClinVar (database versions not stated): gnomAD exomes below 0.00001.
gnomAD v4.1: 1 of 1,419,948 alleles (0.00007%); highest among the groups gnomAD compares: Non-Finnish European, 0.000092%; no homozygotes.

Submissions (2):

Labcorp Genetics (formerly Invitae), Labcorp
Classification: Likely benign for Hereditary nonpolyposis colorectal neoplasms. Last evaluated: 2021-07-15. Review status: criteria provided, single submitter. Criteria: Invitae Variant Classification Sherloc (09022015). Collection method: clinical testing. Allele origin: germline.

GeneDx
Classification: Likely benign. Last evaluated: 2015-11-06. Review status: criteria provided, single submitter. Criteria: GeneDx Variant Classification (06012015). Collection method: clinical testing. Allele origin: germline. Affected: yes.
Comment: This variant is considered likely benign or benign based on one or more of the following criteria: it is a conservative change, it occurs at a poorly conserved position in the protein, it is predicted to be benign by multiple in silico algorithms, and/or has population frequency not consistent with disease.